The following is an entry in ClinVar:

NM_001286.5(CLCN6):c.1624G>T (p.Val542Phe)

Gene: CLCN6 (Cl-/H+ antiporter 6; plus strand). Cytogenetic location: 1p36.22.
Variant type: single nucleotide variant.
Coding change: c.1624G>T on transcript NM_001286.5 (MANE Select); coding-DNA position 1624, G replaced by T.
Protein change: p.Val542Phe; replaces valine 542 with phenylalanine.
Molecular consequence: missense variant. On other transcripts: non-coding transcript variant (1).
Genome position (GRCh38, 1-based): chr1:11,834,333, G>T. VCF-style: chr1-11834333-G-T. GRCh37 (hg19) VCF-style: chr1-11894390-G-T.
Other names: c.1558G>T, p.Val520Phe (NM_001256959.2); c.1624G>T (NM_001286.3); short protein forms V542F, V520F.
Identifiers: ClinVar variation 4716226 (VCV004716226.2).

ClinVar aggregate classification (germline): Uncertain significance. Review status: criteria provided, multiple submitters, no conflicts (2 of 4 stars). 2 submissions from 2 submitters: Uncertain significance (2). Last evaluated 2025-09-29.

Conditions:
CLCN6-related disorder. Also called: CLCN6-related condition.

Submissions (2):

Labcorp Genetics (formerly Invitae), Labcorp
Classification: Uncertain significance. Last evaluated: 2025-09-29. Review status: criteria provided, single submitter. Criteria: Invitae Variant Classification Sherloc (09022015). Collection method: clinical testing. Allele origin: germline.
Comment: This sequence change replaces valine, which is neutral and non-polar, with phenylalanine, which is neutral and non-polar, at codon 542 of the CLCN6 protein (p.Val542Phe). This variant is not present in population databases (gnomAD no frequency). This variant has not been reported in the literature in individuals affected with CLCN6-related conditions. An algorithm developed to predict the effect of missense changes on protein structure and function (PolyPhen-2) suggests that this variant is likely to be disruptive. In summary, the available evidence is currently insufficient to determine the role of this variant in disease. Therefore, it has been classified as a Variant of Uncertain Significance.

PreventionGenetics, part of Exact Sciences
Classification: Uncertain significance for CLCN6-related condition. Last evaluated: 2025-05-29. Review status: criteria provided, single submitter. Criteria: ACMG Guidelines, 2015. Collection method: clinical testing. Allele origin: germline.
Comment: The CLCN6 c.1624G>T variant is predicted to result in the amino acid substitution p.Val542Phe. To our knowledge, this variant has not been reported in the literature or in a large population database (gnomAD), indicating this variant is rare. Although we suspect that this variant may be pathogenic, at this time, the clinical significance of this variant is uncertain due to the absence of conclusive functional and genetic evidence.